The following is an entry in ClinVar:

ClinVar aggregate classification (germline): Conflicting classifications of pathogenicity. Review status: criteria provided, conflicting classifications (1 of 4 stars). 18 submissions from 12 submitters: Uncertain significance (1); Benign (8); Likely benign (8). 1 of the submissions does not count toward it. Last evaluated 2026-09-21.

Conditions:
MASS syndrome (OCTD). Also called: MASS PHENOTYPE; OVERLAP CONNECTIVE TISSUE DISEASE. Identifiers: MedGen C1858556, MONDO:0011431, OMIM 604308.
Weill-Marchesani syndrome 2, dominant. Also called: Weill-Marchesani Syndrome, Autosomal Dominant; FBN1-Related Weill-Marchesani Syndrome. Identifiers: Orphanet 2084, MedGen C1869115, MONDO:0012013, OMIM 608328.
Geleophysic dysplasia 2 (GPHYSD2). Identifiers: Orphanet 2623, MedGen C3280054, MONDO:0013612, OMIM 614185.
Progeroid and marfanoid aspect-lipodystrophy syndrome. Also called: MARFANOID-PROGEROID SYNDROME; MARFAN-PROGEROID-LIPODYSTROPHY SYNDROME; Marfan lipodystrophy syndrome; MARFANOID-PROGEROID-LIPODYSTROPHY SYNDROME. Identifiers: Orphanet 300382, MedGen C4310796, MONDO:0014831, OMIM 616914.
Marfan syndrome (MFS). Also called: Marfan syndrome type 1; Marfan's syndrome; MARFAN SYNDROME, TYPE I; Marfan syndrome, classic; FBN1-Related Marfan Syndrome. Identifiers: Orphanet 284963, Orphanet 558, MedGen C0024796, MONDO:0007947, OMIM 154700.
Acromicric dysplasia (ACMICD). Also called: Acromicric skeletal dysplasia. Identifiers: Orphanet 969, MedGen C0265287, MONDO:0007055, OMIM 102370.
Ectopia lentis 1, isolated, autosomal dominant (ECTOL1). Identifiers: Orphanet 1885, MedGen C3541518, MONDO:0007514, OMIM 129600.
Stiff skin syndrome (SSKS). Identifiers: Orphanet 2833, MedGen C1861456, MONDO:0008492, OMIM 184900.
Weill-Marchesani syndrome. Also called: WM Syndrome; Mesodermal dysmorphodystrophy congenital. Identifiers: Orphanet 3449, MedGen C0265313, MONDO:0018096.
Geleophysic dysplasia. Identifiers: Orphanet 2623, MedGen C3489726, MONDO:0000127.
Familial thoracic aortic aneurysm and aortic dissection (TAAD). Also called: Thoracic aortic aneurysms and dissections. Identifiers: Orphanet 91387, MedGen C4707243, MONDO:0019625.

Allele frequency attached by ClinVar (database versions not stated): 1000 Genomes Project 30x 0.00125; 1000 Genomes Project 0.00160; gnomAD 0.00001 and 0.00017; TOPMed 0.00002; ExAC 0.00071.

Submissions (18):

Molecular Diagnostic Laboratory for Inherited Cardiovascular Disease, Montreal Heart Institute
Classification: Likely benign. Last evaluated: 2026-09-21. Review status: criteria provided, single submitter. Criteria: ACMG Guidelines, 2015. Collection method: clinical testing. Allele origin: germline. Affected: no.
Comment: BS1;BP6

CeGaT Center for Human Genetics Tuebingen
Classification: Likely benign. Last evaluated: 2026-06-01. Review status: criteria provided, single submitter. Criteria: CeGaT Center For Human Genetics Tuebingen Variant Classification Criteria Version 2. Collection method: clinical testing. Allele origin: germline. Affected: yes. Observed: 2 variant alleles.
Comment: FBN1: BS1

Labcorp Genetics (formerly Invitae), Labcorp
Classification: Benign for Marfan syndrome; Familial thoracic aortic aneurysm and aortic dissection. Last evaluated: 2025-12-16. Review status: criteria provided, single submitter. Criteria: Invitae Variant Classification Sherloc (09022015). Collection method: clinical testing. Allele origin: germline.

Blueprint Genetics
Classification: Likely benign. Last evaluated: 2024-03-18. Review status: criteria provided, single submitter. Criteria: ACMG Guidelines, 2015. Collection method: clinical testing. Allele origin: germline.

CHEO Genetics Diagnostic Laboratory, Children's Hospital of Eastern Ontario
Classification: Benign for Familial thoracic aortic aneurysm and aortic dissection. Last evaluated: 2022-11-11. Review status: criteria provided, single submitter. Criteria: ACMG Guidelines, 2015. Collection method: clinical testing. Allele origin: germline. Study: Canadian Open Genetics Repository.

GeneDx
Classification: Likely benign. Last evaluated: 2019-06-06. Review status: criteria provided, single submitter. Criteria: GeneDx Variant Classification Process June 2021. Collection method: clinical testing. Allele origin: germline. Affected: yes.

Color Diagnostics, LLC DBA Color Health
Classification: Likely benign for Familial thoracic aortic aneurysm and aortic dissection. Last evaluated: 2018-10-19. Review status: criteria provided, single submitter. Criteria: ACMG Guidelines, 2015. Collection method: clinical testing. Allele origin: germline.

Illumina Laboratory Services, Illumina
Classification: Likely benign for Familial thoracic aortic aneurysm and aortic dissection. Last evaluated: 2018-01-13. Review status: criteria provided, single submitter. Criteria: ICSL Variant Classification Criteria 13 December 2019. Collection method: clinical testing. Allele origin: germline.
Comment: This variant was observed in the ICSL laboratory as part of a predisposition screen in an ostensibly healthy population. It had not been previously curated by ICSL or reported in the Human Gene Mutation Database (HGMD: prior to June 1st, 2018), and was therefore a candidate for classification through an automated scoring system. Utilizing variant allele frequency, disease prevalence and penetrance estimates, and inheritance mode, an automated score was calculated to assess if this variant is too frequent to cause the disease. Based on the score and internal cut-off values, a variant classified as likely benign is not then subjected to further curation. The score for this variant resulted in a classification of likely benign for this disease.

Illumina Laboratory Services, Illumina
Classification: Benign for Ectopia lentis 1, isolated, autosomal dominant. Last evaluated: 2018-01-13. Review status: criteria provided, single submitter. Criteria: ICSL Variant Classification Criteria 13 December 2019. Collection method: clinical testing. Allele origin: germline.
Comment: This variant was observed in the ICSL laboratory as part of a predisposition screen in an ostensibly healthy population. It had not been previously curated by ICSL or reported in the Human Gene Mutation Database (HGMD: prior to June 1st, 2018), and was therefore a candidate for classification through an automated scoring system. Utilizing variant allele frequency, disease prevalence and penetrance estimates, and inheritance mode, an automated score was calculated to assess if this variant is too frequent to cause the disease. Based on the score and internal cut-off values, a variant classified as benign is not then subjected to further curation. The score for this variant resulted in a classification of benign for this disease.

Illumina Laboratory Services, Illumina
Classification: Benign for Weill-Marchesani syndrome. Last evaluated: 2018-01-13. Review status: criteria provided, single submitter. Criteria: ICSL Variant Classification Criteria 13 December 2019. Collection method: clinical testing. Allele origin: germline.
Comment: the same text as in the submission from Illumina Laboratory Services, Illumina above.

Illumina Laboratory Services, Illumina
Classification: Benign for Marfan syndrome. Last evaluated: 2018-01-13. Review status: criteria provided, single submitter. Criteria: ICSL Variant Classification Criteria 13 December 2019. Collection method: clinical testing. Allele origin: germline.
Comment: the same text as in the submission from Illumina Laboratory Services, Illumina above.

Illumina Laboratory Services, Illumina
Classification: Benign for Acromicric dysplasia. Last evaluated: 2018-01-13. Review status: criteria provided, single submitter. Criteria: ICSL Variant Classification Criteria 13 December 2019. Collection method: clinical testing. Allele origin: germline.
Comment: the same text as in the submission from Illumina Laboratory Services, Illumina above.

Illumina Laboratory Services, Illumina
Classification: Benign for Geleophysic dysplasia. Last evaluated: 2018-01-13. Review status: criteria provided, single submitter. Criteria: ICSL Variant Classification Criteria 13 December 2019. Collection method: clinical testing. Allele origin: germline.
Comment: the same text as in the submission from Illumina Laboratory Services, Illumina above.

Illumina Laboratory Services, Illumina
Classification: Benign for Stiff skin syndrome. Last evaluated: 2018-01-13. Review status: criteria provided, single submitter. Criteria: ICSL Variant Classification Criteria 13 December 2019. Collection method: clinical testing. Allele origin: germline.
Comment: the same text as in the submission from Illumina Laboratory Services, Illumina above.

Ambry Genetics
Classification: Likely benign for Familial thoracic aortic aneurysm and aortic dissection. Last evaluated: 2017-09-13. Review status: criteria provided, single submitter. Criteria: Ambry Variant Classification Scheme 2023. Collection method: clinical testing. Allele origin: germline.

Fulgent Genetics
Classification: Uncertain significance for Acromicric dysplasia; Ectopia lentis 1, isolated, autosomal dominant; Marfan syndrome; Stiff skin syndrome; MASS syndrome; Weill-Marchesani syndrome 2, dominant; Geleophysic dysplasia 2; Progeroid and marfanoid aspect-lipodystrophy syndrome. Last evaluated: 2017-05-23. Review status: criteria provided, single submitter. Criteria: ACMG Guidelines, 2015. Collection method: clinical testing. Allele origin: unknown.

Laboratory for Molecular Medicine, Mass General Brigham Personalized Medicine
Classification: Likely benign. Last evaluated: 2015-01-21. Review status: criteria provided, single submitter. Criteria: LMM Criteria. Collection method: clinical testing. Allele origin: germline. Observed: 1 variant allele.
Comment: proposed classification - variant undergoing re-assessment, contact laboratory

Center for Medical Genetics Ghent, University of Ghent
Classification: Uncertain significance for Marfan syndrome. Last evaluated: 2017-11-07. Review status: no assertion criteria provided. Collection method: clinical testing. Allele origin: germline. Affected: yes. Not counted in ClinVar's aggregate classification.

NM_000138.5(FBN1):c.4306G>A (p.Val1436Met)

Genes: FBN1 (fibrillin 1; minus strand), LOC126862124 (CDK7 strongly-dependent group 2 enhancer GRCh37_chr15:48764566-48765765; plus strand). Cytogenetic location: 15q21.1.
Variant type: single nucleotide variant.
Coding change: c.4306G>A on transcript NM_000138.5 (MANE Select); coding-DNA position 4306, G replaced by A.
Protein change: p.Val1436Met; replaces valine 1436 with methionine.
Molecular consequence: missense variant.
Genome position (GRCh38, 1-based): chr15:48,472,581, C>T on the plus strand (G>A on the coding strand, the complement: FBN1 is on the minus strand). VCF-style: chr15-48472581-C-T. GRCh37 (hg19) VCF-style: chr15-48764778-C-T.
Other names: p.V1436M:GTG>ATG; short protein forms V1436M.
Identifiers: ClinVar variation 42356 (VCV000042356.52), dbSNP rs377338217, ClinGen allele CA014927.
Genomic context (GRCh38, chr15:48,472,581, plus strand): 5'-AAGGCTCCCAGTGGCTTCCCCATCAGTTACCTTCACAGGCTTTCCCGTCAGCACTGGGCA[C>T]GAAGCCCATGTCGCATTCACAGCGGTATCCTCCTGGTGCATTGAGGCACTGGCCATTGCC-3'
Protein context (NP_000129.3, residues 1426-1446): GYRCECDMGF[Val1436Met]PSADGKACED